The following is an entry in ClinVar:

ClinVar aggregate classification (germline): Benign/Likely benign. Review status: criteria provided, multiple submitters, no conflicts (2 of 4 stars). 4 submissions from 4 submitters: Benign (2); Likely benign (2). Last evaluated 2026-04-14.

Conditions:
Hereditary cancer-predisposing syndrome. Also called: Tumor predisposition; Neoplastic Syndromes, Hereditary; Hereditary Cancer Syndrome; Hereditary neoplastic syndrome. Identifiers: Orphanet 140162, MedGen C0027672, MeSH D009386, MONDO:0015356.
Tuberous sclerosis 1 (TSC1). Identifiers: Orphanet 805, MedGen C1854465, MONDO:0008612, OMIM 191100.

Allele frequency attached by ClinVar (database versions not stated): gnomAD exomes 0.00001; gnomAD 0.00002; ExAC 0.00003; TOPMed 0.00003.
gnomAD v4.1: 12 of 1,614,006 alleles (0.00074%); highest among the groups gnomAD compares: African/African-American, 0.015%; no homozygotes.

Submissions (4):

Women's Health and Genetics/Laboratory Corporation of America, LabCorp
Classification: Benign. Last evaluated: 2026-04-14. Review status: criteria provided, single submitter. Criteria: LabCorp Variant Classification Summary - May 2015. Collection method: clinical testing. Allele origin: germline.
Comment: Variant summary: TSC1 c.2901C>T alters a conserved nucleotide resulting in a synonymous change. Consensus agreement among computation tools predict no significant impact on normal splicing. However, these predictions have yet to be confirmed by functional studies. The variant allele was found at a frequency of 1.2e-05 in 251480 control chromosomes, predominantly at a frequency of 0.00015 within the African or African-American subpopulation in the gnomAD database. The observed variant frequency within African or African-American control individuals in the gnomAD database exceeds the estimated maximal expected allele frequency for disease-causing variants in TSC1. To our knowledge, no occurrence of c.2901C>T in individuals affected with TSC1-related conditions and no experimental evidence demonstrating its impact on protein function have been reported. ClinVar contains an entry for this variant (Variation ID: 237713). Based on the evidence outlined above, the variant was classified as benign.

Labcorp Genetics (formerly Invitae), Labcorp
Classification: Benign for Tuberous sclerosis 1. Last evaluated: 2026-01-27. Review status: criteria provided, single submitter. Criteria: Invitae Variant Classification Sherloc (09022015). Collection method: clinical testing. Allele origin: germline.

Myriad Genetics, Inc.
Classification: Likely benign for Tuberous sclerosis 1. Last evaluated: 2024-08-14. Review status: criteria provided, single submitter. Criteria: Myriad Autosomal Dominant, Autosomal Recessive and X-Linked Classification Criteria (2023). Collection method: clinical testing. Allele origin: unknown.
Comment: This variant is considered likely benign. This variant has been observed at a population frequency that is significantly greater than expected given the associated disease prevalence and penetrance.

Ambry Genetics
Classification: Likely benign for Hereditary cancer-predisposing syndrome. Last evaluated: 2019-11-20. Review status: criteria provided, single submitter. Criteria: Ambry Variant Classification Scheme 2023. Collection method: clinical testing. Allele origin: germline.

NM_000368.5(TSC1):c.2901C>T (p.Gly967=)

Gene: TSC1 (TSC complex subunit 1; minus strand). Cytogenetic location: 9q34.13.
Variant type: single nucleotide variant.
Coding change: c.2901C>T on transcript NM_000368.5 (MANE Select); coding-DNA position 2901, C replaced by T.
Protein change: p.Gly967=; no amino-acid change (glycine 967 retained).
Molecular consequence: synonymous variant.
Genome position (GRCh38, 1-based): chr9:132,897,258, G>A on the plus strand (C>T on the coding strand, the complement: TSC1 is on the minus strand). VCF-style: chr9-132897258-G-A. GRCh37 (hg19) VCF-style: chr9-135772645-G-A.
Other names: c.2898C>T, p.Gly966= (NM_001162426.2); c.2748C>T, p.Gly916= (NM_001162427.2); c.2538C>T, p.Gly846= (NM_001362177.2).
Identifiers: ClinVar variation 237713 (VCV000237713.16), dbSNP rs774634388, ClinGen allele CA035000.
Genomic context (GRCh38, chr9:132,897,258, plus strand): 5'-TTCAGCTGCTTCTGCTTTTTCTTCTTCAAGTTTTTTCAGGAGGCCATCTTTCTCCAACCT[G>A]CCATATAAATCTAAGATCTCCAATTCAAACACCTGGGTTATCCTTTTCTGAGCCTCATAC-3'
Protein context (NP_000359.1, residues 957-977): VFELEILDLY[Gly967=]RLEKDGLLKK